The following is an entry in ClinVar:

NM_000038.6(APC):c.7672C>T (p.Leu2558Phe)

Gene: APC (APC regulator of Wnt signaling pathway; plus strand). Cytogenetic location: 5q22.2.
Variant type: single nucleotide variant.
Coding change: c.7672C>T on transcript NM_000038.6 (MANE Select); coding-DNA position 7672, C replaced by T.
Protein change: p.Leu2558Phe; replaces leucine 2558 with phenylalanine.
Molecular consequence: missense variant.
Genome position (GRCh38, 1-based): chr5:112,843,266, C>T. VCF-style: chr5-112843266-C-T. GRCh37 (hg19) VCF-style: chr5-112178963-C-T.
Other names: c.7672C>T, p.Leu2558Phe (NM_001127510.3, NM_001354895.2); c.7618C>T, p.Leu2540Phe (NM_001127511.3); c.7726C>T, p.Leu2576Phe (NM_001354896.2); c.7702C>T, p.Leu2568Phe (NM_001354897.2); c.7597C>T, p.Leu2533Phe (NM_001354898.2); c.7588C>T, p.Leu2530Phe (NM_001354899.2); c.7549C>T, p.Leu2517Phe (NM_001354900.2); c.7495C>T, p.Leu2499Phe (NM_001354901.2); and 6 more; short protein forms L2275F, L2398F, L2432F, L2457F, L2467F, L2499F, L2517F, L2530F.
Identifiers: ClinVar variation 1009233 (VCV001009233.11), dbSNP rs766065118, ClinGen allele CA16037997.

ClinVar aggregate classification (germline): Uncertain significance. Review status: criteria provided, multiple submitters, no conflicts (2 of 4 stars). 2 submissions from 2 submitters: Uncertain significance (2). Last evaluated 2025-12-01.

Conditions:
Hereditary cancer-predisposing syndrome. Also called: Tumor predisposition; Hereditary neoplastic syndrome; Neoplastic Syndromes, Hereditary; Hereditary Cancer Syndrome. Identifiers: Orphanet 140162, MedGen C0027672, MeSH D009386, MONDO:0015356.
Familial adenomatous polyposis 1 (FAP1). Also called: FAMILIAL ADENOMATOUS POLYPOSIS 1, ATTENUATED; POLYPOSIS, ADENOMATOUS INTESTINAL. Identifiers: MedGen C2713442, MONDO:0021056, OMIM 175100. Disease mechanism: loss of function.

Allele frequency attached by ClinVar (database versions not stated): TOPMed below 0.00001.

Submissions (2):

Labcorp Genetics (formerly Invitae), Labcorp
Classification: Uncertain significance for Familial adenomatous polyposis 1. Last evaluated: 2025-12-01. Review status: criteria provided, single submitter. Criteria: Invitae Variant Classification Sherloc (09022015). Collection method: clinical testing. Allele origin: germline.
Comment: This sequence change replaces leucine, which is neutral and non-polar, with phenylalanine, which is neutral and non-polar, at codon 2558 of the APC protein (p.Leu2558Phe). This variant is not present in population databases (gnomAD no frequency). This variant has not been reported in the literature in individuals affected with APC-related conditions. ClinVar contains an entry for this variant (Variation ID: 1009233). Invitae Evidence Modeling of protein sequence and biophysical properties (such as structural, functional, and spatial information, amino acid conservation, physicochemical variation, residue mobility, and thermodynamic stability) indicates that this missense variant is not expected to disrupt APC protein function with a negative predictive value of 95%. In summary, the available evidence is currently insufficient to determine the role of this variant in disease. Therefore, it has been classified as a Variant of Uncertain Significance.

Ambry Genetics
Classification: Uncertain significance for Hereditary cancer-predisposing syndrome. Last evaluated: 2025-08-09. Review status: criteria provided, single submitter. Criteria: Ambry Variant Classification Scheme 2023. Collection method: clinical testing. Allele origin: germline.
Comment: The p.L2558F variant (also known as c.7672C>T), located in coding exon 15 of the APC gene, results from a C to T substitution at nucleotide position 7672. The leucine at codon 2558 is replaced by phenylalanine, an amino acid with highly similar properties. This amino acid position is conserved. In addition, in silico predictors for this gene do not accurately predict pathogenicity. Based on the available evidence, the clinical significance of this variant remains unclear.